The following is an entry in ClinVar:

ClinVar aggregate classification (germline): Uncertain significance (1 of 4 stars; one submission).

Submission:

Ambry Genetics
Classification: Uncertain significance. Last evaluated: 2026-01-19. Review status: criteria provided, single submitter. Criteria: Ambry Variant Classification Scheme 2023. Collection method: clinical testing. Allele origin: germline.
Comment: The p.A778V variant (also known as c.2333C>T), located in coding exon 13 of the ATRIP gene, results from a C to T substitution at nucleotide position 2333. The alanine at codon 778 is replaced by valine, an amino acid with similar properties. This amino acid position is conserved. In addition, this alteration is predicted to be tolerated by in silico analysis. Based on the available evidence, the clinical significance of this variant remains unclear.

NM_130384.3(ATRIP):c.2333C>T (p.Ala778Val)

Genes: ATRIP (ATR interacting protein; plus strand), ATRIP-TREX1 (ATRIP-TREX1 readthrough; plus strand), LOC129936704 (ATAC-STARR-seq lymphoblastoid active region 19829; plus strand). Cytogenetic location: 3p21.31.
Variant type: single nucleotide variant.
Coding change: c.2333C>T on transcript NM_130384.3 (MANE Select); coding-DNA position 2333, C replaced by T.
Protein change: p.Ala778Val; replaces alanine 778 with valine.
Molecular consequence: missense variant. On other transcripts: non-coding transcript variant (1).
Genome position (GRCh38, 1-based): chr3:48,465,511, C>T. VCF-style: chr3-48465511-C-T. GRCh37 (hg19) VCF-style: chr3-48506910-C-T.
Other names: c.1952C>T, p.Ala651Val (NM_001271022.2); c.2054C>T, p.Ala685Val (NM_001271023.2); c.2252C>T, p.Ala751Val (NM_032166.4); short protein forms A651V, A778V, A685V, A751V.
Identifiers: ClinVar variation 4844929 (VCV004844929.1).
Genomic context (GRCh38, chr3:48,465,511, plus strand): 5'-TGGGCCCTCACCAGGAACCTCTCCTTTTTGTCTCAGAGGCAGCCCTGGATGACCTCTGTG[C>T]CGCGGAAACCGATGTGGAAGACCCCGAGGTGGAGTGTGGCTGAGGCCCTGAGTGTCCAGC-3'
Protein context (NP_569055.1, residues 768-788): CEEAALDDLC[Ala778Val]AETDVEDPEV